The following is an entry in ClinVar:

ClinVar aggregate classification (germline): Likely benign. Review status: reviewed by expert panel (3 of 4 stars). 5 submissions from 5 submitters: Likely benign (1). 4 of the submissions do not count toward it. Last evaluated 2023-06-15.

Conditions:
Angelman syndrome (AS). Also called: HAPPY PUPPET SYNDROME. Identifiers: Orphanet 72, MedGen C0162635, MONDO:0007113, OMIM 105830. Disease mechanism: loss of function. Inheritance: AS is caused by disruption of maternally imprinted UBE3A located within the 15q11.2-q13 Angelman syndrome/Prader-Willi syndrome (AS/PWS) region., imprinting disorder.

Allele frequency attached by ClinVar (database versions not stated): gnomAD 0.00006; TOPMed 0.00008; ESP Exome Variant Server 0.00015.
gnomAD v4.1: 152 of 1,613,904 alleles (0.0094%); highest among the groups gnomAD compares: Non-Finnish European, 0.012%; no homozygotes.

Submissions (5):

ClinGen Rett and Angelman-like Disorders Variant Curation Expert Panel
Classification: Likely benign for Angelman syndrome. Last evaluated: 2023-06-15. Review status: reviewed by expert panel. Criteria: ClinGen RettAS ACMG Specifications UBE3A V4.0.0. Collection method: curation. Allele origin: germline. Inheritance: Autosomal dominant inheritance.
Comment: The c.282C>T p.Gly94= variant in UBE3A (NM_130838.2) is present in gnomAD v2.1.1 at a frequency of 0.0069% in the European (non-Finnish) sub population (no criteria met). The silent p.Gly94= variant is not predicted to affect splicing using multiple computational tools and does not affect a highly conserved nucleotide (BP4, BP7). In summary, the c.282C>T p.Gly94= variant in UBE3A is classified as Likely Benign based on the ACMG/AMP criteria (BP4, BP7).

CeGaT Center for Human Genetics Tuebingen
Classification: Likely benign. Last evaluated: 2026-08-01. Review status: criteria provided, single submitter. Criteria: CeGaT Center For Human Genetics Tuebingen Variant Classification Criteria Version 2. Collection method: clinical testing. Allele origin: germline. Affected: yes. Observed: 3 variant alleles. Not counted in ClinVar's aggregate classification.
Comment: UBE3A: BP4, BP7

Labcorp Genetics (formerly Invitae), Labcorp
Classification: Likely benign for Angelman syndrome. Last evaluated: 2025-11-18. Review status: criteria provided, single submitter. Criteria: Invitae Variant Classification Sherloc (09022015). Collection method: clinical testing. Allele origin: germline. Not counted in ClinVar's aggregate classification.

Blueprint Genetics
Classification: Likely benign. Last evaluated: 2023-12-29. Review status: criteria provided, single submitter. Criteria: ACMG Guidelines, 2015. Collection method: clinical testing. Allele origin: germline. Not counted in ClinVar's aggregate classification.

GeneDx
Classification: Benign. Last evaluated: 2015-03-03. Review status: criteria provided, single submitter. Criteria: GeneDx Variant Classification Process June 2021. Collection method: clinical testing. Allele origin: germline. Affected: yes. Not counted in ClinVar's aggregate classification.

NM_130839.5(UBE3A):c.342C>T (p.Gly114=)

Genes: SNHG14 (small nucleolar RNA host gene 14; plus strand), UBE3A (ubiquitin protein ligase E3A; minus strand). Cytogenetic location: 15q11.2.
Variant type: single nucleotide variant.
Coding change: c.342C>T on transcript NM_130839.5 (MANE Select); coding-DNA position 342, C replaced by T.
Protein change: p.Gly114=; no amino-acid change (glycine 114 retained).
Molecular consequence: synonymous variant. On other transcripts: non-coding transcript variant (1).
Genome position (GRCh38, 1-based): chr15:25,375,484, G>A on the plus strand (C>T on the coding strand, the complement: UBE3A is on the minus strand). VCF-style: chr15-25375484-G-A. GRCh37 (hg19) VCF-style: chr15-25620631-G-A.
Other names: NM_130839.5(UBE3A):c.342C>T; p.Gly114=; c.351C>T, p.Gly117= (NM_000462.5); c.342C>T, p.Gly114= (NM_001354505.1, NM_001354538.2, NM_001354545.2 and 1 more transcripts); c.282C>T, p.Gly94= (NM_001354506.2, NM_001354507.2, NM_001354508.2 and 18 more transcripts); c.165C>T, p.Gly55= (NM_001354546.2).
Identifiers: ClinVar variation 581141 (VCV000581141.12), dbSNP rs142726511, ClinGen allele CA7435667.